The following is an entry in ClinVar:

NM_014908.4(DOLK):c.1224_1225del (p.Ile409fs)

Gene: DOLK (dolichol kinase; minus strand). Cytogenetic location: 9q34.11.
Variant type: Microsatellite.
Coding change: c.1224_1225del on transcript NM_014908.4 (MANE Select); coding-DNA positions 1224 to 1225, 2 bases deleted (CA; older notation c.1224_1225delCA).
Protein change: p.Ile409fs; shifts the reading frame from isoleucine 409.
Molecular consequence: frameshift variant.
Genome position (GRCh38, 1-based): chr9:128,946,079-128,946,080, TG deleted on the plus strand (CA on the coding strand, the reverse complement: DOLK is on the minus strand); deleting any 2 consecutive bases within chr9:128,946,079-128,946,085 gives the same sequence; the c. name uses the placement nearest the transcript's 3' end. VCF-style (leftmost placement, unchanged base first): chr9-128946078-ATG-A. GRCh37 (hg19) VCF-style: chr9-131708357-ATG-A.
Other names: short protein forms I409fs.
Identifiers: ClinVar variation 1036278 (VCV001036278.7), dbSNP rs1223257193, ClinGen allele CA860309069.

ClinVar aggregate classification (germline): Uncertain significance (1 of 4 stars; one submission).

Conditions:
DK1-congenital disorder of glycosylation. Also called: CONGENITAL DISORDER OF GLYCOSYLATION, TYPE Im; DK1-CDG; CDG Im; DK1 DEFICIENCY; DOLICHOL KINASE DEFICIENCY; DOLK-congenital disorder of glycosylation. Identifiers: Orphanet 91131, MedGen C1835849, MONDO:0012556, OMIM 610768.

Submission:

Labcorp Genetics (formerly Invitae), Labcorp
Classification: Uncertain significance for DK1-congenital disorder of glycosylation. Last evaluated: 2020-09-16. Review status: criteria provided, single submitter. Criteria: Invitae Variant Classification Sherloc (09022015). Collection method: clinical testing. Allele origin: germline.
Comment: In summary, the available evidence is currently insufficient to determine the role of this variant in disease. Therefore, it has been classified as a Variant of Uncertain Significance. Experimental studies and prediction algorithms are not available or were not evaluated, and the functional significance of this variant is currently unknown. This variant is not present in population databases (ExAC no frequency). This variant has not been reported in the literature in individuals with DOLK-related conditions. This sequence change results in a premature translational stop signal in the DOLK gene (p.Ile409Leufs*22). While this is not anticipated to result in nonsense mediated decay, it is expected to disrupt the last 130 amino acids of the DOLK protein.